The following is an entry in ClinVar:

ClinVar aggregate classification (germline): Uncertain significance. Review status: criteria provided, multiple submitters, no conflicts (2 of 4 stars). 2 submissions from 2 submitters: Uncertain significance (2). Last evaluated 2024-03-01.

Conditions:
Malignant hyperthermia, susceptibility to, 5 (MHS5). Also called: CACNA1S-Related Malignant Hyperthermia Susceptibility. Identifiers: Orphanet 423, MedGen C1866077, MONDO:0011163, OMIM 601887.
Hypokalemic periodic paralysis, type 1. Also called: HypoPP; Hypokalemic Periodic Paralysis Type 1 (AD). Identifiers: Orphanet 681, MedGen C3714580, MONDO:0042979, OMIM 170400.
Inborn genetic diseases. Identifiers: MedGen C0950123, MeSH D030342.

Submissions (2):

Ambry Genetics
Classification: Uncertain significance for Inborn genetic diseases. Last evaluated: 2024-03-01. Review status: criteria provided, single submitter. Criteria: Ambry Variant Classification Scheme 2023. Collection method: clinical testing. Allele origin: germline.

Labcorp Genetics (formerly Invitae), Labcorp
Classification: Uncertain significance for Hypokalemic periodic paralysis, type 1; Malignant hyperthermia, susceptibility to, 5. Last evaluated: 2023-12-21. Review status: criteria provided, single submitter. Criteria: Invitae Variant Classification Sherloc (09022015). Collection method: clinical testing. Allele origin: germline.
Comment: This sequence change replaces proline, which is neutral and non-polar, with serine, which is neutral and polar, at codon 1751 of the CACNA1S protein (p.Pro1751Ser). This variant is not present in population databases (gnomAD no frequency). This variant has not been reported in the literature in individuals affected with CACNA1S-related conditions. ClinVar contains an entry for this variant (Variation ID: 2413357). Advanced modeling of protein sequence and biophysical properties (such as structural, functional, and spatial information, amino acid conservation, physicochemical variation, residue mobility, and thermodynamic stability) performed at Invitae indicates that this missense variant is not expected to disrupt CACNA1S protein function with a negative predictive value of 95%. In summary, the available evidence is currently insufficient to determine the role of this variant in disease. Therefore, it has been classified as a Variant of Uncertain Significance.

NM_000069.3(CACNA1S):c.5251C>T (p.Pro1751Ser)

Gene: CACNA1S (calcium voltage-gated channel subunit alpha1 S; minus strand). Cytogenetic location: 1q32.1.
Variant type: single nucleotide variant.
Coding change: c.5251C>T on transcript NM_000069.3 (MANE Select); coding-DNA position 5251, C replaced by T.
Protein change: p.Pro1751Ser; replaces proline 1751 with serine.
Molecular consequence: missense variant.
Genome position (GRCh38, 1-based): chr1:201,040,350, G>A on the plus strand (C>T on the coding strand, the complement: CACNA1S is on the minus strand). VCF-style: chr1-201040350-G-A. GRCh37 (hg19) VCF-style: chr1-201009478-G-A.
Other names: c.5251C>T (NM_000069.2); short protein forms P1751S.
Identifiers: ClinVar variation 2413357 (VCV002413357.9), dbSNP rs1255545977, ClinGen allele CA344131351.